The following is an entry in ClinVar:

NM_139215.3(TAF15):c.1383C>T (p.Gly461=)

Gene: TAF15 (TATA-box binding protein associated factor 15; plus strand). Cytogenetic location: 17q12.
Variant type: single nucleotide variant.
Coding change: c.1383C>T on transcript NM_139215.3 (MANE Select); coding-DNA position 1383, C replaced by T.
Protein change: p.Gly461=; no amino-acid change (glycine 461 retained).
Molecular consequence: synonymous variant.
Genome position (GRCh38, 1-based): chr17:35,844,682, C>T. VCF-style: chr17-35844682-C-T. GRCh37 (hg19) VCF-style: chr17-34171686-C-T.
Other names: c.1374C>T, p.Gly458= (NM_003487.4).
Identifiers: ClinVar variation 3050891 (VCV003050891.3), dbSNP rs369399880, ClinGen allele CA290041378.

ClinVar aggregate classification (germline): Likely benign. Review status: criteria provided, single submitter (1 of 4 stars). 2 submissions from 2 submitters: Likely benign (1). 1 of the submissions does not count toward it. Last evaluated 2026-07-01.

Conditions:
TAF15-related disorder. Also called: TAF15-related condition.

Allele frequency attached by ClinVar (database versions not stated): gnomAD 0.00003; gnomAD exomes 0.00007; ESP Exome Variant Server 0.00008.
gnomAD v4.1: 104 of 1,594,610 alleles (0.0065%); highest among the groups gnomAD compares: East Asian, 0.11%; no homozygotes.

Submissions (2):

CeGaT Center for Human Genetics Tuebingen
Classification: Likely benign. Last evaluated: 2026-07-01. Review status: criteria provided, single submitter. Criteria: CeGaT Center For Human Genetics Tuebingen Variant Classification Criteria Version 2. Collection method: clinical testing. Allele origin: germline. Affected: yes. Observed: 1 variant allele.
Comment: TAF15: BP4, BP7

PreventionGenetics, part of Exact Sciences
Classification: Likely benign for TAF15-related condition. Last evaluated: 2019-04-24. Review status: no assertion criteria provided. Collection method: clinical testing. Allele origin: germline. Not counted in ClinVar's aggregate classification.
Comment: This variant is classified as likely benign based on ACMG/AMP sequence variant interpretation guidelines (Richards et al. 2015 PMID: 25741868, with internal and published modifications).